The following is an entry in ClinVar:

ClinVar aggregate classification (germline): Likely benign (0 of 4 stars; one submission).

Conditions:
KIRREL1-related disorder. Also called: KIRREL1-related condition.

Allele frequency attached by ClinVar (database versions not stated): ExAC 0.00001; gnomAD 0.00002.
gnomAD v4.1: 41 of 1,613,948 alleles (0.0025%); highest among the groups gnomAD compares: East Asian, 0.022%; no homozygotes.

Submission:

PreventionGenetics, part of Exact Sciences
Classification: Likely benign for KIRREL1-related condition. Last evaluated: 2021-12-29. Review status: no assertion criteria provided. Collection method: clinical testing. Allele origin: germline.
Comment: This variant is classified as likely benign based on ACMG/AMP sequence variant interpretation guidelines (Richards et al. 2015 PMID: 25741868, with internal and published modifications).

NM_018240.7(KIRREL1):c.1580-8C>T

Genes: KIRREL1 (kirre like nephrin family adhesion molecule 1; plus strand), LOC126805884 (BRD4-independent group 4 enhancer GRCh37_chr1:158063276-158064475; plus strand). Cytogenetic location: 1q23.1.
Variant type: single nucleotide variant.
Coding change: c.1580-8C>T on transcript NM_018240.7 (MANE Select); 8 bases into the intron before coding-DNA position 1580, C replaced by T.
Molecular consequence: intron variant.
Genome position (GRCh38, 1-based): chr1:158,093,615, C>T. VCF-style: chr1-158093615-C-T. GRCh37 (hg19) VCF-style: chr1-158063405-C-T.
Other names: c.1280-8C>T (NM_001286349.2).
Identifiers: ClinVar variation 3036322 (VCV003036322.2), dbSNP rs769957837, ClinGen allele CA1177729.